The following is an entry in ClinVar:

NM_001197104.2(KMT2A):c.436G>A (p.Glu146Lys)

Gene: KMT2A (lysine methyltransferase 2A; plus strand). Cytogenetic location: 11q23.3.
Variant type: single nucleotide variant.
Coding change: c.436G>A on transcript NM_001197104.2 (MANE Select); coding-DNA position 436, G replaced by A.
Protein change: p.Glu146Lys; replaces glutamic acid 146 with lysine.
Molecular consequence: missense variant.
Genome position (GRCh38, 1-based): chr11:118,468,778, G>A. VCF-style: chr11-118468778-G-A. GRCh37 (hg19) VCF-style: chr11-118339493-G-A.
Other names: c.535G>A, p.Glu179Lys (NM_001412597.1); c.436G>A, p.Glu146Lys (NM_005933.4); short protein forms E146K, E179K.
Identifiers: ClinVar variation 3670465 (VCV003670465.2).

ClinVar aggregate classification (germline): Uncertain significance (1 of 4 stars; one submission).

Submission:

Labcorp Genetics (formerly Invitae), Labcorp
Classification: Uncertain significance. Last evaluated: 2025-11-26. Review status: criteria provided, single submitter. Criteria: Invitae Variant Classification Sherloc (09022015). Collection method: clinical testing. Allele origin: germline.
Comment: This sequence change replaces glutamic acid, which is acidic and polar, with lysine, which is basic and polar, at codon 146 of the KMT2A protein (p.Glu146Lys). This variant is present in population databases (rs782605513, gnomAD 0.002%). This variant has not been reported in the literature in individuals affected with KMT2A-related conditions. ClinVar contains an entry for this variant (Variation ID: 3670465). Invitae Evidence Modeling of protein sequence and biophysical properties (such as structural, functional, and spatial information, amino acid conservation, physicochemical variation, residue mobility, and thermodynamic stability) has been performed for this missense variant. However, the output from this modeling did not meet the statistical confidence thresholds required to predict the impact of this variant on KMT2A protein function. In summary, the available evidence is currently insufficient to determine the role of this variant in disease. Therefore, it has been classified as a Variant of Uncertain Significance.